The following is an entry in ClinVar:

ClinVar aggregate classification (germline): Likely benign. Review status: criteria provided, multiple submitters, no conflicts (2 of 4 stars). 4 submissions from 4 submitters: Likely benign (4). Last evaluated 2023-04-11.

Conditions:
Deficiency of hydroxymethylglutaryl-CoA lyase (HMGCLD). Also called: HMGCL DEFICIENCY; HYDROXYMETHYLGLUTARIC ACIDURIA; Defect in leucine metabolism; 3-hydroxy-3-methylglutaric aciduria; HMG-CoA LYASE DEFICIENCY. Identifiers: Orphanet 20, MedGen C1533587, MONDO:0009520, OMIM 246450.

Allele frequency attached by ClinVar (database versions not stated): 1000 Genomes Project 30x 0.00141; 1000 Genomes Project 0.00180; TOPMed 0.00391; gnomAD 0.00514 and 0.00530; gnomAD exomes 0.00606.

Submissions (4):

Genome-Nilou Lab
Classification: Likely benign for Deficiency of hydroxymethylglutaryl-CoA lyase. Last evaluated: 2023-04-11. Review status: criteria provided, single submitter. Criteria: ACMG Guidelines, 2015. Collection method: clinical testing. Allele origin: germline. Affected: no.

GeneDx
Classification: Likely benign. Last evaluated: 2018-08-07. Review status: criteria provided, single submitter. Criteria: GeneDx Variant Classification Process June 2021. Collection method: clinical testing. Allele origin: germline. Affected: yes.

Illumina Laboratory Services, Illumina
Classification: Likely benign for Deficiency of hydroxymethylglutaryl-CoA lyase. Last evaluated: 2018-01-13. Review status: criteria provided, single submitter. Criteria: ICSL Variant Classification Criteria 13 December 2019. Collection method: clinical testing. Allele origin: germline.
Comment: This variant was observed in the ICSL laboratory as part of a predisposition screen in an ostensibly healthy population. It had not been previously curated by ICSL or reported in the Human Gene Mutation Database (HGMD: prior to June 1st, 2018), and was therefore a candidate for classification through an automated scoring system. Utilizing variant allele frequency, disease prevalence and penetrance estimates, and inheritance mode, an automated score was calculated to assess if this variant is too frequent to cause the disease. Based on the score and internal cut-off values, a variant classified as likely benign is not then subjected to further curation. The score for this variant resulted in a classification of likely benign for this disease.

Breakthrough Genomics
Classification: Likely benign. Review status: criteria provided, single submitter. Criteria: ACMG Guidelines, 2015. Collection method: not provided. Allele origin: germline. Inheritance: Autosomal recessive inheritance. Affected: yes.

NM_000191.3(HMGCL):c.*194C>G

Gene: HMGCL (3-hydroxy-3-methylglutaryl-CoA lyase; minus strand). Cytogenetic location: 1p36.11.
Variant type: single nucleotide variant.
Coding change: c.*194C>G on transcript NM_000191.3 (MANE Select); 194 bases downstream of the stop codon, C replaced by G.
Molecular consequence: 3 prime UTR variant.
Genome position (GRCh38, 1-based): chr1:23,802,269, G>C on the plus strand (C>G on the coding strand, the complement: HMGCL is on the minus strand). VCF-style: chr1-23802269-G-C. GRCh37 (hg19) VCF-style: chr1-24128759-G-C.
Other names: c.*194C>G (NM_001166059.2).
Identifiers: ClinVar variation 296845 (VCV000296845.9), dbSNP rs192071003, ClinGen allele CA10610699.